The following is an entry in ClinVar:

ClinVar aggregate classification (germline): Uncertain significance. Review status: criteria provided, single submitter (1 of 4 stars). 2 submissions from 2 submitters: Uncertain significance (1). 1 of the submissions does not count toward it. Last evaluated 2025-03-17.

Conditions:
Intellectual disability, autosomal recessive 53 (NEDHSCA). Also called: GLYCOSYLPHOSPHATIDYLINOSITOL BIOSYNTHESIS DEFECT 13; Mental retardation, autosomal recessive 53; NEURODEVELOPMENTAL DISORDER WITH OR WITHOUT HYPOTONIA, SEIZURES, AND CEREBELLAR ATROPHY. Identifiers: Orphanet 488635, MedGen C4310794, MONDO:0014832, OMIM 616917.

Allele frequency attached by ClinVar (database versions not stated): gnomAD 0.00002; ExAC 0.00003; TOPMed 0.00004; ESP Exome Variant Server 0.00015.
gnomAD v4.1: 23 of 1,613,652 alleles (0.0014%); highest among the groups gnomAD compares: Admixed American, 0.0083%; no homozygotes.

Submissions (2):

Labcorp Genetics (formerly Invitae), Labcorp
Classification: Uncertain significance for Intellectual disability, autosomal recessive 53. Last evaluated: 2025-03-17. Review status: criteria provided, single submitter. Criteria: Invitae Variant Classification Sherloc (09022015). Collection method: clinical testing. Allele origin: germline.
Comment: This sequence change replaces asparagine, which is neutral and polar, with serine, which is neutral and polar, at codon 138 of the PIGG protein (p.Asn138Ser). This variant is present in population databases (rs148712954, gnomAD 0.009%). This missense change has been observed in individual(s) with clinical features of PIGG-congenital disorder of glycosylation (PMID: 34113002, 35599849). It has also been observed to segregate with disease in related individuals. ClinVar contains an entry for this variant (Variation ID: 1954989). Invitae Evidence Modeling of protein sequence and biophysical properties (such as structural, functional, and spatial information, amino acid conservation, physicochemical variation, residue mobility, and thermodynamic stability) indicates that this missense variant is expected to disrupt PIGG protein function with a positive predictive value of 80%. Experimental studies have shown that this missense change affects PIGG function (PMID: 34113002). In summary, the available evidence is currently insufficient to determine the role of this variant in disease. Therefore, it has been classified as a Variant of Uncertain Significance.

Clinical Genetics Service, Universitary Hospital 12 de Octubre
Classification: Likely pathogenic for Intellectual disability, autosomal recessive 53. Last evaluated: 2026-08-26. Review status: no assertion criteria provided. Collection method: clinical testing. Allele origin: biparental. Inheritance: Autosomal recessive inheritance. Affected: yes. Observed: 2 variant alleles, 2 compound heterozygotes. Not counted in ClinVar's aggregate classification.
Comment: The missense variant c.413A>G, p.(Asn138Ser) in the PIGG gene has been previously reported in the scientific literature. Tremblay-Laganière et al. (PMID: 34113002) identified this variant in the homozygous state in two affected individuals from a consanguineous family, who presented with intellectual disability, cerebellar atrophy, and epilepsy. Functional studies performed in the same study demonstrated an altered PIGG function, providing experimental evidence supporting a deleterious effect of the variant (PMID: 34113002). In addition, the p.(Asn138Ser) variant has been observed in compound heterozygosity in two affected siblings, in trans with the nonsense variant c.2017C>T, p.(Gln673*), providing further evidence supporting its association with disease in the context of an autosomal recessive inheritance pattern. The variant is also listed in ClinVar (Accession: VCV001954989.4) for autosomal recessive intellectual disability 53, with a single submitter classification. The available in silico predictions are inconclusive (REVEL 0.34). Therefore the variant was classified as likely pathogenic.

Literature cited by the submitters: PubMed 34113002 (cited by Labcorp Genetics (formerly Invitae), Labcorp and Clinical Genetics Service, Universitary Hospital 12 de Octubre); PubMed 35599849 (cited by Labcorp Genetics (formerly Invitae), Labcorp).

NM_001127178.3(PIGG):c.413A>G (p.Asn138Ser)

Gene: PIGG (phosphatidylinositol glycan anchor biosynthesis class G (EMM blood group); plus strand). Cytogenetic location: 4p16.3.
Variant type: single nucleotide variant.
Coding change: c.413A>G on transcript NM_001127178.3 (MANE Select); coding-DNA position 413, A replaced by G.
Protein change: p.Asn138Ser; replaces asparagine 138 with serine.
Molecular consequence: missense variant. On other transcripts: intron variant (1), 5 prime UTR variant (4), non-coding transcript variant (10).
Genome position (GRCh38, 1-based): chr4:505,770, A>G. VCF-style: chr4-505770-A-G. GRCh37 (hg19) VCF-style: chr4-499559-A-G.
Other names: c.361-3059A>G (NM_001289052.2); c.146A>G, p.Asn49Ser (NM_001289051.2, NM_001289053.2, NM_001289057.2 and 2 more transcripts); c.47A>G, p.Asn16Ser (NM_001289055.2); c.-475A>G (NM_001345988.2); c.413A>G, p.Asn138Ser (NM_001345989.2, NM_017733.5); c.-1213A>G (NM_001345990.2); c.-1075A>G (NM_001345991.2); c.-800A>G (NM_001345994.2); short protein forms N49S, N16S, N138S.
Identifiers: ClinVar variation 1954989 (VCV001954989.5), dbSNP rs148712954, ClinGen allele CA2792999.